The following is an entry in ClinVar:

NM_003071.4(HLTF):c.2189G>A (p.Gly730Asp)

Gene: HLTF (helicase like transcription factor; minus strand). Cytogenetic location: 3q24.
Variant type: single nucleotide variant.
Coding change: c.2189G>A on transcript NM_003071.4 (MANE Select); coding-DNA position 2189, G replaced by A.
Protein change: p.Gly730Asp; replaces glycine 730 with aspartic acid.
Molecular consequence: missense variant.
Genome position (GRCh38, 1-based): chr3:149,042,174, C>T on the plus strand (G>A on the coding strand, the complement: HLTF is on the minus strand). VCF-style: chr3-149042174-C-T. GRCh37 (hg19) VCF-style: chr3-148759961-C-T.
Other names: c.2186G>A, p.Gly729Asp (NM_001318934.2); c.2189G>A, p.Gly730Asp (NM_001318935.2, NM_139048.3); short protein forms G729D, G730D.
Identifiers: ClinVar variation 2634181 (VCV002634181.2), dbSNP rs143125997, ClinGen allele CA2658997.

ClinVar aggregate classification (germline): Likely benign (0 of 4 stars; one submission).

Conditions:
HLTF-related disorder. Also called: HLTF-related condition.

Allele frequency attached by ClinVar (database versions not stated): 1000 Genomes Project 0.00040; 1000 Genomes Project 30x 0.00047; ExAC 0.00081; gnomAD 0.00084; ESP Exome Variant Server 0.00085; TOPMed 0.00100; gnomAD exomes 0.00122.
gnomAD v4.1: 1,928 of 1,612,796 alleles (0.12%); highest among the groups gnomAD compares: Middle Eastern, 0.18%; 2 homozygotes.

Submission:

PreventionGenetics, part of Exact Sciences
Classification: Likely benign for HLTF-related condition. Last evaluated: 2024-03-11. Review status: no assertion criteria provided. Collection method: clinical testing. Allele origin: germline.
Comment: This variant is classified as likely benign based on ACMG/AMP sequence variant interpretation guidelines (Richards et al. 2015 PMID: 25741868, with internal and published modifications).